The following is an entry in ClinVar:

ClinVar aggregate classification (germline): Uncertain significance (1 of 4 stars; one submission).

Allele frequency attached by ClinVar (database versions not stated): TOPMed below 0.00001; gnomAD 0.00001.
gnomAD v4.1: 1 of 1,613,972 alleles (0.000062%); highest among the groups gnomAD compares: East Asian, 0.0022%; no homozygotes.

Submission:

Ambry Genetics
Classification: Uncertain significance. Last evaluated: 2024-11-16. Review status: criteria provided, single submitter. Criteria: Ambry Variant Classification Scheme 2023. Collection method: clinical testing. Allele origin: germline.
Comment: The p.H676R variant (also known as c.2027A>G), located in coding exon 17 of the RAD54L gene, results from an A to G substitution at nucleotide position 2027. The histidine at codon 676 is replaced by arginine, an amino acid with highly similar properties. This amino acid position is conserved. In addition, this alteration is predicted to be deleterious by in silico analysis. Since supporting evidence is limited at this time, the clinical significance of this alteration remains unclear.

NM_003579.4(RAD54L):c.2027A>G (p.His676Arg)

Genes: LRRC41 (leucine rich repeat containing 41; minus strand), RAD54L (RAD54 like; plus strand). Cytogenetic location: 1p34.1.
Variant type: single nucleotide variant.
Coding change: c.2027A>G on transcript NM_003579.4 (MANE Select); coding-DNA position 2027, A replaced by G.
Protein change: p.His676Arg; replaces histidine 676 with arginine.
Molecular consequence: missense variant. On other transcripts: 3 prime UTR variant (1).
Genome position (GRCh38, 1-based): chr1:46,277,974, A>G. VCF-style: chr1-46277974-A-G. GRCh37 (hg19) VCF-style: chr1-46743646-A-G.
Other names: c.*891T>C (NM_006369.5); c.2027A>G, p.His676Arg (NM_001142548.2); c.1487A>G, p.His496Arg (NM_001370766.1); short protein forms H496R, H676R.
Identifiers: ClinVar variation 1784663 (VCV001784663.3), dbSNP rs1208512094, ClinGen allele CA340190558.
Genomic context (GRCh38, chr1:46,277,974, plus strand): 5'-TCTCTCTGGGCGAGTTGAAGGAGCTGTTTATCCTGGATGAAGCTAGCCTCAGTGACACAC[A>G]TGACAGGTGGGGAAGTGCCCTAACCATTATCTCTAAGCTACCCACACAGTAGGGAGATGG-3'
Protein context (NP_003570.2, residues 666-686): ILDEASLSDT[His676Arg]DRLHCRRCVN